The following is an entry in ClinVar:

NM_020975.6(RET):c.-23C>T

Genes: RET (ret proto-oncogene; plus strand), LOC106736614 (RET 5' regulatory region; plus strand). Cytogenetic location: 10q11.21.
Variant type: single nucleotide variant.
Coding change: c.-23C>T on transcript NM_020975.6 (MANE Select); 23 bases upstream of the start codon, C replaced by T.
Molecular consequence: 5 prime UTR variant.
Genome position (GRCh38, 1-based): chr10:43,077,236, C>T. VCF-style: chr10-43077236-C-T. GRCh37 (hg19) VCF-style: chr10-43572684-C-T.
Other names: c.-23C>T (NM_000323.2, NM_001406743.1, NM_001406744.1 and 38 more transcripts).
Identifiers: ClinVar variation 3054907 (VCV003054907.3), dbSNP rs954199293, ClinGen allele CA206710330.

ClinVar aggregate classification (germline): Uncertain significance. Review status: criteria provided, single submitter (1 of 4 stars). 2 submissions from 2 submitters: Uncertain significance (1). 1 of the submissions does not count toward it. Last evaluated 2025-02-23.

Conditions:
RET-related disorder. Also called: RET-related condition; RET-related disease; RET-related disorders.

Allele frequency attached by ClinVar (database versions not stated): gnomAD 0.00020.

Submissions (2):

GeneDx
Classification: Uncertain significance. Last evaluated: 2025-02-23. Review status: criteria provided, single submitter. Criteria: GeneDx Variant Classification Process June 2021. Collection method: clinical testing. Allele origin: germline. Affected: yes.
Comment: Has not been previously published as pathogenic or benign to our knowledge; Located in a regulatory region; in the absence of functional studies, the actual effect of this sequence change is unknown

PreventionGenetics, part of Exact Sciences
Classification: Likely benign for RET-related condition. Last evaluated: 2020-10-06. Review status: no assertion criteria provided. Collection method: clinical testing. Allele origin: germline. Not counted in ClinVar's aggregate classification.
Comment: This variant is classified as likely benign based on ACMG/AMP sequence variant interpretation guidelines (Richards et al. 2015 PMID: 25741868, with internal and published modifications).